The following is an entry in ClinVar:

NM_138711.6(PPARG):c.391-6T>C

Gene: PPARG (peroxisome proliferator activated receptor gamma; plus strand). Cytogenetic location: 3p25.2.
Variant type: single nucleotide variant.
Coding change: c.391-6T>C on transcript NM_138711.6 (MANE Select); 6 bases into the intron before coding-DNA position 391, T replaced by C.
Molecular consequence: intron variant.
Genome position (GRCh38, 1-based): chr3:12,392,608, T>C. VCF-style: chr3-12392608-T-C. GRCh37 (hg19) VCF-style: chr3-12434107-T-C.
Other names: c.391-6T>C (NM_001354666.3, NM_138712.5, NM_005037.7 and 6 more transcripts); c.-37-6T>C (NM_001354669.2); c.397-6T>C (NM_001374266.1, NM_001354670.2); c.481-6T>C (NM_015869.5, NM_001374265.1, NM_001354668.2).
Identifiers: ClinVar variation 3037104 (VCV003037104.2), dbSNP rs750775821, ClinGen allele CA2258188.

ClinVar aggregate classification (germline): Likely benign (0 of 4 stars; one submission).

Conditions:
PPARG-related disorder. Also called: PPARG-related condition; PPARG-related disorders.

Allele frequency attached by ClinVar (database versions not stated): gnomAD exomes below 0.00001; ExAC 0.00001; gnomAD 0.00005; TOPMed 0.00005.
gnomAD v4.1: 10 of 1,613,630 alleles (0.00062%); highest among the groups gnomAD compares: African/African-American, 0.013%; no homozygotes.

Submission:

PreventionGenetics, part of Exact Sciences
Classification: Likely benign for PPARG-related condition. Last evaluated: 2022-09-09. Review status: no assertion criteria provided. Collection method: clinical testing. Allele origin: germline.
Comment: This variant is classified as likely benign based on ACMG/AMP sequence variant interpretation guidelines (Richards et al. 2015 PMID: 25741868, with internal and published modifications).